The following is an entry in ClinVar:

ClinVar aggregate classification (germline): Uncertain significance (1 of 4 stars; one submission).

Conditions:
Singleton-Merten syndrome 1 (SGMRT1). Also called: Widened medullary cavities of bone, aortic calcification, abnormal dentition, and muscular weakness; Syndrome of widened medullary cavities of the metacarpals and phalanges, aortic calcification and abnormal dentition. Identifiers: Orphanet 85191, MedGen C4225427, MONDO:0024535, OMIM 182250.
Aicardi-Goutieres syndrome 7 (AGS7). Identifiers: Orphanet 51, MedGen C3888244, MONDO:0014367, OMIM 615846.

Submission:

Labcorp Genetics (formerly Invitae), Labcorp
Classification: Uncertain significance for Aicardi-Goutieres syndrome 7; Singleton-Merten syndrome 1. Last evaluated: 2025-12-26. Review status: criteria provided, single submitter. Criteria: Invitae Variant Classification Sherloc (09022015). Collection method: clinical testing. Allele origin: germline.
Comment: This sequence change replaces methionine, which is neutral and non-polar, with isoleucine, which is neutral and non-polar, at codon 686 of the IFIH1 protein (p.Met686Ile). This variant is not present in population databases (gnomAD no frequency). This variant has not been reported in the literature in individuals affected with IFIH1-related conditions. An algorithm developed to predict the effect of missense changes on protein structure and function outputs the following: PolyPhen-2: "Benign". The isoleucine amino acid residue is found in multiple mammalian species, which suggests that this missense change does not adversely affect protein function. In summary, the available evidence is currently insufficient to determine the role of this variant in disease. Therefore, it has been classified as a Variant of Uncertain Significance.

NM_022168.4(IFIH1):c.2058G>T (p.Met686Ile)

Gene: IFIH1 (interferon induced with helicase C domain 1; minus strand). Cytogenetic location: 2q24.2.
Variant type: single nucleotide variant.
Coding change: c.2058G>T on transcript NM_022168.4 (MANE Select); coding-DNA position 2058, G replaced by T.
Protein change: p.Met686Ile; replaces methionine 686 with isoleucine.
Molecular consequence: missense variant.
Genome position (GRCh38, 1-based): chr2:162,276,933, C>A on the plus strand (G>T on the coding strand, the complement: IFIH1 is on the minus strand). VCF-style: chr2-162276933-C-A. GRCh37 (hg19) VCF-style: chr2-163133443-C-A.
Other names: short protein forms M686I.
Identifiers: ClinVar variation 4789311 (VCV004789311.1).
Genomic context (GRCh38, chr2:162,276,933, plus strand): 5'-ATTTCTTAATTTGGTCAGCTTTTCATTTTCATATTCTGGGTTTTCAGCCAGCCTTTTCAA[C>A]ATTTTATTGTTTTCTTTAAGAAATAATTAGAGTTGATATGTTAACAAGCTTGATTTAGCC-3'
Protein context (NP_071451.2, residues 676-696): LMTLFFENNK[Met686Ile]LKRLAENPEY